The following is an entry in ClinVar:

ClinVar aggregate classification (germline): Uncertain significance (1 of 4 stars; one submission).

Submission:

GeneDx
Classification: Uncertain significance. Last evaluated: 2023-08-09. Review status: criteria provided, single submitter. Criteria: GeneDx Variant Classification Process June 2021. Collection method: clinical testing. Allele origin: germline. Affected: yes.
Comment: Not observed at significant frequency in large population cohorts (gnomAD); In silico analysis supports that this missense variant has a deleterious effect on protein structure/function; Has not been previously published as pathogenic or benign to our knowledge

NM_001379110.1(SLC9A6):c.452A>C (p.His151Pro)

Gene: SLC9A6 (solute carrier family 9 member A6; plus strand). Cytogenetic location: Xq26.3.
Variant type: single nucleotide variant.
Coding change: c.452A>C on transcript NM_001379110.1 (MANE Select); coding-DNA position 452, A replaced by C.
Protein change: p.His151Pro; replaces histidine 151 with proline.
Molecular consequence: missense variant.
Genome position (GRCh38, 1-based): chrX:135,998,486, A>C. VCF-style: chrX-135998486-A-C. GRCh37 (hg19) VCF-style: chrX-135080645-A-C.
Other names: c.608A>C, p.His203Pro (NM_001042537.2); c.452A>C, p.His151Pro (NM_001177651.2, NM_001400909.1, NM_001400910.1 and 2 more transcripts); c.356A>C, p.His119Pro (NM_001330652.2, NM_001400913.1); c.512A>C, p.His171Pro (NM_006359.3); short protein forms H151P, H171P, H203P, H119P.
Identifiers: ClinVar variation 3361869 (VCV003361869.1).
Genomic context (GRCh38, chrX:135,998,486, plus strand): 5'-TCTTTTTCAAGTAACTGGTAAGTATTCTAACAGTGTAACTTTTTTTTTTTTGTCAGAGAC[A>C]TTTTTTTCGAAATCTTGGGTCTATCCTAGCATACGCTTTTCTTGGAACAGCAATTTCTTG-3'
Protein context (NP_001366039.1, residues 141-161): FYAGYSLKRR[His151Pro]FFRNLGSILA